The following is an entry in ClinVar:

ClinVar aggregate classification (germline): Uncertain significance (1 of 4 stars; one submission).

Submission:

Ambry Genetics
Classification: Uncertain significance. Last evaluated: 2026-07-11. Review status: criteria provided, single submitter. Criteria: Ambry Variant Classification Scheme 2023. Collection method: clinical testing. Allele origin: germline.
Comment: The p.V52M variant (also known as c.154G>A), located in coding exon 2 of the SRP72 gene, results from a G to A substitution at nucleotide position 154. The valine at codon 52 is replaced by methionine, an amino acid with highly similar properties. This amino acid position is conserved. In addition, the in silico prediction for this alteration is inconclusive. Based on the available evidence, the clinical significance of this variant remains unclear.

NM_006947.4(SRP72):c.154G>A (p.Val52Met)

Gene: SRP72 (signal recognition particle 72; plus strand). Cytogenetic location: 4q12.
Variant type: single nucleotide variant.
Coding change: c.154G>A on transcript NM_006947.4 (MANE Select); coding-DNA position 154, G replaced by A.
Protein change: p.Val52Met; replaces valine 52 with methionine.
Molecular consequence: missense variant. On other transcripts: non-coding transcript variant (1).
Genome position (GRCh38, 1-based): chr4:56,469,697, G>A. VCF-style: chr4-56469697-G-A. GRCh37 (hg19) VCF-style: chr4-57335863-G-A.
Other names: c.154G>A, p.Val52Met (NM_001267722.2); short protein forms V52M.
Identifiers: ClinVar variation 5030228 (VCV005030228.1).